The following is an entry in ClinVar:

ClinVar aggregate classification (germline): Uncertain significance (1 of 4 stars; one submission).

Conditions:
Hereditary cancer-predisposing syndrome. Also called: Neoplastic Syndromes, Hereditary; Tumor predisposition; Hereditary neoplastic syndrome; Hereditary Cancer Syndrome. Identifiers: Orphanet 140162, MedGen C0027672, MeSH D009386, MONDO:0015356.

Submission:

Ambry Genetics
Classification: Uncertain significance for Hereditary cancer-predisposing syndrome. Last evaluated: 2026-07-07. Review status: criteria provided, single submitter. Criteria: Ambry Variant Classification Scheme 2023. Collection method: clinical testing. Allele origin: germline.
Comment: The p.R354I variant (also known as c.1061G>T), located in coding exon 10 of the PRKAR1A gene, results from a G to T substitution at nucleotide position 1061. The arginine at codon 354 is replaced by isoleucine, an amino acid with similar properties. This amino acid position is conserved. In addition, this alteration is predicted to be deleterious by in silico analysis. Based on the available evidence, the clinical significance of this variant remains unclear.

NM_002734.5(PRKAR1A):c.1061G>T (p.Arg354Ile)

Gene: PRKAR1A (protein kinase cAMP-dependent type I regulatory subunit alpha; plus strand). Cytogenetic location: 17q24.2.
Variant type: single nucleotide variant.
Coding change: c.1061G>T on transcript NM_002734.5 (MANE Select); coding-DNA position 1061, G replaced by T.
Protein change: p.Arg354Ile; replaces arginine 354 with isoleucine.
Molecular consequence: missense variant. On other transcripts: intron variant (1).
Genome position (GRCh38, 1-based): chr17:68,530,364, G>T. VCF-style: chr17-68530364-G-T. GRCh37 (hg19) VCF-style: chr17-66526505-G-T.
Other names: c.1061G>T, p.Arg354Ile (NM_212472.2, NM_001276289.2, NM_001278433.2 and 3 more transcripts); c.973+363G>T (NM_001276290.1); short protein forms R354I.
Identifiers: ClinVar variation 5027327 (VCV005027327.1).